The following is an entry in ClinVar:

NM_001845.6(COL4A1):c.144+5222C>T

Gene: COL4A1 (collagen type IV alpha 1 chain; minus strand). Cytogenetic location: 13q34.
Variant type: single nucleotide variant.
Coding change: c.144+5222C>T on transcript NM_001845.6 (MANE Select); 5222 bases into the intron after coding-DNA position 144, C replaced by T.
Molecular consequence: intron variant.
Genome position (GRCh38, 1-based): chr13:110,237,453, G>A on the plus strand (C>T on the coding strand, the complement: COL4A1 is on the minus strand). VCF-style: chr13-110237453-G-A. GRCh37 (hg19) VCF-style: chr13-110889800-G-A.
Other names: c.144+5222C>T (NM_001303110.2).
Identifiers: ClinVar variation 4535373 (VCV004535373.6).
Genomic context (GRCh38, chr13:110,237,453, plus strand): 5'-CCGCCAGGAGACATTCAGCAACAGCTGGAGATATATTTATGTCACGACTGCTGGGGTGGG[G>A]GTGCTCCTGGCATCCGATGTGTAAAGGCTGGGATGCTGCTCGACATCCTACAATGGACAG-3'

ClinVar aggregate classification (germline): Likely benign (1 of 4 stars; one submission).

gnomAD v4.1: 3 of 152,130 alleles (0.002%); highest among the groups gnomAD compares: East Asian, 0.019%; no homozygotes.

Submission:

CeGaT Center for Human Genetics Tuebingen
Classification: Likely benign. Last evaluated: 2025-11-01. Review status: criteria provided, single submitter. Criteria: CeGaT Center For Human Genetics Tuebingen Variant Classification Criteria Version 2. Collection method: clinical testing. Allele origin: germline. Affected: yes. Observed: 1 variant allele.
Comment: COL4A1: BP4, BP7